The following is an entry in ClinVar:

ClinVar aggregate classification (germline): Likely pathogenic. Review status: criteria provided, single submitter (1 of 4 stars). 2 submissions from 2 submitters: Likely pathogenic (1). 1 of the submissions does not count toward it. Last evaluated 2025-03-20.

Conditions:
Familial dysautonomia. Also called: HSAN III; FD. Identifiers: Orphanet 1764, MedGen C0013364, MONDO:0009131, OMIM 223900. Disease mechanism: loss of function.

Submissions (2):

Natera, Inc.
Classification: Likely pathogenic for Familial dysautonomia. Last evaluated: 2025-03-20. Review status: criteria provided, single submitter. Criteria: Natera Variant Classification Schema (03/2026). Collection method: clinical testing. Allele origin: germline.
Comment: The c.147_150+1dupAGAAG variant in ELP1 is a canonical splice donor site variant predicted to affect pre-mRNA splicing, which may result in an abnormal transcript and altered protein product. This variant is expected to result in nonsense mediated decay, truncation, or a dysfunctional protein product. This variant is rare in the general population with a frequency below the threshold expected for the associated phenotype(s). Given the available evidence, this variant is classified as Likely Pathogenic.

Counsyl
Classification: Likely pathogenic for Familial dysautonomia. Last evaluated: 2018-03-16. Review status: no assertion criteria provided. Collection method: clinical testing. Allele origin: unknown. Not counted in ClinVar's aggregate classification.

NM_003640.5(ELP1):c.147_150+1dup

Gene: ELP1 (elongator acetyltransferase complex subunit 1; minus strand). Cytogenetic location: 9q31.3.
Variant type: Duplication.
Coding change: c.147_150+1dup on transcript NM_003640.5 (MANE Select); coding-DNA position 147 through the canonical splice donor site of the intron after coding-DNA position 150, 5 bases duplicated (AGAAG; older notation c.147_150+1dupAGAAG).
Molecular consequence: splice donor variant.
Genome position (GRCh38, 1-based): chr9:108,930,996-108,931,000, CTTCT duplicated on the plus strand (AGAAG on the coding strand, the reverse complement: ELP1 is on the minus strand); duplicating any 5 consecutive bases within chr9:108,930,996-108,931,003 gives the same sequence; the c. name uses the placement nearest the transcript's 3' end. VCF-style (leftmost placement, unchanged base first): chr9-108930995-A-ACTTCT. GRCh37 (hg19) VCF-style: chr9-111693275-A-ACTTCT.
Other names: c.147_150+1dupAGAAG (NM_003640.4); c.147_150+1dup (LRG_251t1); c.-196_-193+1dup (NM_001318360.2); c.-713_-710+1dup (NM_001330749.2).
Identifiers: ClinVar variation 557337 (VCV000557337.3), dbSNP rs1319053366, ClinGen allele CA589616197.